The following is an entry in ClinVar:

ClinVar aggregate classification (germline): Uncertain significance (1 of 4 stars; one submission).

Submission:

Ambry Genetics
Classification: Uncertain significance. Last evaluated: 2022-09-30. Review status: criteria provided, single submitter. Criteria: Ambry Variant Classification Scheme 2023. Collection method: clinical testing. Allele origin: germline.
Comment: The p.D331E variant (also known as c.993T>G), located in coding exon 9 of the RAD54L gene, results from a T to G substitution at nucleotide position 993. The aspartic acid at codon 331 is replaced by glutamic acid, an amino acid with highly similar properties. This amino acid position is conserved. In addition, this alteration is predicted to be deleterious by in silico analysis. Since supporting evidence is limited at this time, the clinical significance of this alteration remains unclear.

NM_003579.4(RAD54L):c.993T>G (p.Asp331Glu)

Gene: RAD54L (RAD54 like; plus strand). Cytogenetic location: 1p34.1.
Variant type: single nucleotide variant.
Coding change: c.993T>G on transcript NM_003579.4 (MANE Select); coding-DNA position 993, T replaced by G.
Protein change: p.Asp331Glu; replaces aspartic acid 331 with glutamic acid.
Molecular consequence: missense variant.
Genome position (GRCh38, 1-based): chr1:46,267,560, T>G. VCF-style: chr1-46267560-T-G. GRCh37 (hg19) VCF-style: chr1-46733232-T-G.
Other names: c.993T>G, p.Asp331Glu (NM_001142548.2); c.453T>G, p.Asp151Glu (NM_001370766.1); short protein forms D151E, D331E.
Identifiers: ClinVar variation 1768681 (VCV001768681.2), dbSNP rs2525690817, ClinGen allele CA340192516.
Genomic context (GRCh38, chr1:46,267,560, plus strand): 5'-CCTGGACAGCTTGAACACCAGCCGGCGGGTGCTCATCTCCGGAACTCCCATCCAGAATGA[T>G]CTGCTTGAGTATTTCAGCTTGGTACATTTTGTTAATTCCGGCATCCTAGGTAAGAATCTA-3'
Protein context (NP_003570.2, residues 321-341): VLISGTPIQN[Asp331Glu]LLEYFSLVHF